The following is an entry in ClinVar:

NM_002485.5(NBN):c.1060C>T (p.Pro354Ser)

Gene: NBN (nibrin; minus strand). Cytogenetic location: 8q21.3.
Variant type: single nucleotide variant.
Coding change: c.1060C>T on transcript NM_002485.5 (MANE Select); coding-DNA position 1060, C replaced by T.
Protein change: p.Pro354Ser; replaces proline 354 with serine.
Molecular consequence: missense variant.
Genome position (GRCh38, 1-based): chr8:89,958,789, G>A on the plus strand (C>T on the coding strand, the complement: NBN is on the minus strand). VCF-style: chr8-89958789-G-A. GRCh37 (hg19) VCF-style: chr8-90971017-G-A.
Other names: c.814C>T, p.Pro272Ser (NM_001024688.3); short protein forms P354S, P272S.
Identifiers: ClinVar variation 420188 (VCV000420188.9), dbSNP rs1064794336, ClinGen allele CA16618701.

ClinVar aggregate classification (germline): Uncertain significance. Review status: criteria provided, multiple submitters, no conflicts (2 of 4 stars). 5 submissions from 5 submitters: Uncertain significance (5). Last evaluated 2025-08-12.

Conditions:
Hereditary cancer-predisposing syndrome. Also called: Hereditary neoplastic syndrome; Hereditary Cancer Syndrome; Neoplastic Syndromes, Hereditary; Tumor predisposition. Identifiers: Orphanet 140162, MedGen C0027672, MeSH D009386, MONDO:0015356.
Acute lymphoid leukemia (ALL). Also called: Acute lymphoblastic leukemia; Acute lymphocytic leukemia; Leukemia, acute lymphoblastic, somatic; Lymphoblastic leukemia. Identifiers: Orphanet 513, MedGen C0023449, MONDO:0004967, OMIM 613065, HP:0006721.
Microcephaly, normal intelligence and immunodeficiency (NBS). Also called: BERLIN BREAKAGE SYNDROME; SEEMANOVA SYNDROME II; Immunodeficiency, microcephaly with normal intelligence; Nijmegen breakage syndrome; Microcephaly with normal intelligence immunodeficiency and lymphoreticular malignancies; Nonsyndromal microcephaly autosomal recessive with normal intelligence. Identifiers: Orphanet 647, MedGen C0398791, MONDO:0009623, OMIM 251260.
Aplastic anemia. Identifiers: Orphanet 182040, Orphanet 88, MedGen C0002874, MONDO:0015909, OMIM 609135, HP:0001915.

Allele frequency attached by ClinVar (database versions not stated): gnomAD exomes below 0.00001 and 0.00001.
gnomAD v4.1: 3 of 1,614,064 alleles (0.00019%); highest among the groups gnomAD compares: Non-Finnish European, 0.00025%; no homozygotes.

Submissions (5):

Ambry Genetics
Classification: Uncertain significance for Hereditary cancer-predisposing syndrome. Last evaluated: 2025-08-12. Review status: criteria provided, single submitter. Criteria: Ambry Variant Classification Scheme 2023. Collection method: clinical testing. Allele origin: germline.
Comment: The p.P354S variant (also known as c.1060C>T), located in coding exon 9 of the NBN gene, results from a C to T substitution at nucleotide position 1060. The proline at codon 354 is replaced by serine, an amino acid with similar properties. This amino acid position is conserved. In addition, this alteration is predicted to be tolerated by in silico analysis. Based on the available evidence, the clinical significance of this variant remains unclear.

Labcorp Genetics (formerly Invitae), Labcorp
Classification: Uncertain significance for Microcephaly, normal intelligence and immunodeficiency. Last evaluated: 2022-06-12. Review status: criteria provided, single submitter. Criteria: Invitae Variant Classification Sherloc (09022015). Collection method: clinical testing. Allele origin: germline.
Comment: This sequence change replaces proline, which is neutral and non-polar, with serine, which is neutral and polar, at codon 354 of the NBN protein (p.Pro354Ser). This variant is not present in population databases (gnomAD no frequency). This variant has not been reported in the literature in individuals affected with NBN-related conditions. ClinVar contains an entry for this variant (Variation ID: 420188). Algorithms developed to predict the effect of missense changes on protein structure and function output the following: SIFT: "Tolerated"; PolyPhen-2: "Benign"; Align-GVGD: "Class C0". The serine amino acid residue is found in multiple mammalian species, which suggests that this missense change does not adversely affect protein function. In summary, the available evidence is currently insufficient to determine the role of this variant in disease. Therefore, it has been classified as a Variant of Uncertain Significance.

Genome-Nilou Lab
Classification: Uncertain significance for Microcephaly, normal intelligence and immunodeficiency. Last evaluated: 2021-11-07. Review status: criteria provided, single submitter. Criteria: ACMG Guidelines, 2015. Collection method: clinical testing. Allele origin: germline. Affected: no.

Fulgent Genetics
Classification: Uncertain significance for Microcephaly, normal intelligence and immunodeficiency; Aplastic anemia; Acute lymphoid leukemia. Last evaluated: 2021-10-11. Review status: criteria provided, single submitter. Criteria: ACMG Guidelines, 2015. Collection method: clinical testing. Allele origin: unknown.

GeneDx
Classification: Uncertain significance. Last evaluated: 2017-01-12. Review status: criteria provided, single submitter. Criteria: GeneDx Variant Classification (06012015). Collection method: clinical testing. Allele origin: germline. Affected: yes.
Comment: This variant is denoted NBN c.1060C>T at the cDNA level, p.Pro354Ser (P354S) at the protein level, and results in the change of a Proline to a Serine (CCA>TCA). This variant has not, to our knowledge, been published in the literature as pathogenic or benign. NBN Pro354Ser was not observed in approximately 6,500 individuals of European and African American ancestry in the NHLBI Exome Sequencing Project, suggesting it is not a common benign variant in these populations. Since Proline and Serine differ in polarity, charge, size or other properties, this is considered a non-conservative amino acid substitution. NBN Pro354Ser occurs at a position that is conserved in mammals and is located in the region of interaction with MTOR, MAPKAP1 and RICTOR (Uniprot). In silico analyses are inconsistent regarding the effect this variant may have on protein structure and function. Based on currently available evidence, it is unclear whether NBN Pro354Ser is a pathogenic or benign variant. We consider it to be a variant of uncertain significance.